The following is an entry in ClinVar:

ClinVar aggregate classification (germline): Pathogenic/Likely pathogenic. Review status: criteria provided, multiple submitters, no conflicts (2 of 4 stars). 2 submissions from 2 submitters: Pathogenic (1); Likely pathogenic (1). Last evaluated 2022-06-03.

Conditions:
Hereditary breast ovarian cancer syndrome. Also called: Hereditary breast and ovarian cancer; Hereditary breast and ovarian cancer syndrome; Breast and ovarian cancer; BRCA1- and BRCA2-Associated Hereditary Breast and Ovarian Cancer; Hereditary breast and/or ovarian cancer syndrome; Hereditary breast and ovarian cancer syndrome (HBOC). Identifiers: Orphanet 145, MedGen C0677776, MeSH D061325, MONDO:0003582. Disease mechanism: loss of function.

Submissions (2):

Women's Health and Genetics/Laboratory Corporation of America, LabCorp
Classification: Likely pathogenic for Hereditary breast ovarian cancer syndrome. Last evaluated: 2022-06-03. Review status: criteria provided, single submitter. Criteria: LabCorp Variant Classification Summary - May 2015. Collection method: clinical testing. Allele origin: germline.
Comment: Variant summary: BRCA1 c.4781delC (p.Pro1594HisfsX7) results in a premature termination codon, predicted to cause a truncation of the encoded protein or absence of the protein due to nonsense mediated decay, which are commonly known mechanisms for disease. Truncations downstream of this position have been classified as pathogenic by our laboratory. The variant was absent in 251398 control chromosomes. c.4781delC has been reported in the literature in an individual affected with serous ovarian cancer (Soegaard_2008). To our knowledge, no experimental evidence demonstrating an impact on protein function has been reported. One clinical diagnostic laboratory has submitted clinical-significance assessments for this variant to ClinVar after 2014 and classified the variant as pathogenic. Based on the evidence outlined above, the variant was classified as likely pathogenic.

Quest Diagnostics Nichols Institute San Juan Capistrano
Classification: Pathogenic. Last evaluated: 2019-12-22. Review status: criteria provided, single submitter. Criteria: Quest Diagnostics criteria. Collection method: clinical testing. Allele origin: unknown.
Comment: The variant results in a shift of the reading frame, and is therefore predicted to result in the loss of a functional protein. Found in at least one patient with expected phenotype for this gene, and not found in general population data.

Literature cited by the submitters: PubMed 18559594 (cited by Women's Health and Genetics/Laboratory Corporation of America, LabCorp).

NM_007294.4(BRCA1):c.4781del (p.Pro1594fs)

Gene: BRCA1 (BRCA1 DNA repair associated; minus strand). Cytogenetic location: 17q21.31.
Variant type: Deletion.
Coding change: c.4781del on transcript NM_007294.4 (MANE Select); coding-DNA position 4781, one base deleted (C; older notation c.4781delC).
Protein change: p.Pro1594fs; shifts the reading frame from proline 1594.
Molecular consequence: frameshift variant. On other transcripts: non-coding transcript variant (1).
Genome position (GRCh38, 1-based): chr17:43,071,133, G deleted on the plus strand (C on the coding strand, the reverse complement: BRCA1 is on the minus strand); the first of 2 consecutive G bases (chr17:43,071,133-43,071,134); deleting either gives the same sequence. VCF-style (leftmost placement, unchanged base first): chr17-43071132-TG-T. GRCh37 (hg19) VCF-style: chr17-41223149-TG-T.
Other names: c.4774delC, p.Pro1592Hisfs (NM_001407634.1, NM_001407635.1, NM_001407636.1 and 14 more transcripts); c.4771delC, p.Pro1591Hisfs (NM_001407644.1, NM_001407645.1); c.4657delC, p.Pro1553Hisfs (NM_001407667.1, NM_001407668.1, NM_001407669.1 and 6 more transcripts); c.4768delC, p.Pro1590Hisfs (NM_001407646.1); c.4765delC, p.Pro1589Hisfs (NM_001407647.1); c.4723delC, p.Pro1575Hisfs (NM_001407648.1); c.4720delC, p.Pro1574Hisfs (NM_001407649.1); c.4780delC, p.Pro1594Hisfs (NM_001407652.1, NM_001407684.1, NM_001407854.1 and 9 more transcripts); and 74 more; short protein forms P1547fs, P1594fs, P1615fs, P490fs.
Identifiers: ClinVar variation 993136 (VCV000993136.3), dbSNP rs2052409873, ClinGen allele CA1139665581.